The following is an entry in ClinVar:

NM_024642.5(GALNT12):c.1069C>A (p.Pro357Thr)

Gene: GALNT12 (polypeptide N-acetylgalactosaminyltransferase 12; plus strand). Cytogenetic location: 9q22.33.
Variant type: single nucleotide variant.
Coding change: c.1069C>A on transcript NM_024642.5 (MANE Select); coding-DNA position 1069, C replaced by A.
Protein change: p.Pro357Thr; replaces proline 357 with threonine.
Molecular consequence: missense variant.
Genome position (GRCh38, 1-based): chr9:98,837,005, C>A. VCF-style: chr9-98837005-C-A. GRCh37 (hg19) VCF-style: chr9-101599287-C-A.
Other names: short protein forms P357T.
Identifiers: ClinVar variation 1409392 (VCV001409392.6), dbSNP rs1223719188, ClinGen allele CA374219708.
Genomic context (GRCh38, chr9:98,837,005, plus strand): 5'-CTGGCCTCTCCTTTTCTCTGTGTGCAGATCTGGCAGTGTGGTGGGGTTCTGGAAACACAC[C>A]CATGTTCCCATGTTGGCCATGTTTTCCCCAAGCAAGCTCCCTACTCCCGCAACAAGGCTC-3'
Protein context (NP_078918.3, residues 347-367): WQCGGVLETH[Pro357Thr]CSHVGHVFPK

ClinVar aggregate classification (germline): Uncertain significance (1 of 4 stars; one submission).

gnomAD v4.1: 1 of 1,614,144 alleles (0.000062%); highest among the groups gnomAD compares: South Asian, 0.0011%; no homozygotes.

Submission:

Labcorp Genetics (formerly Invitae), Labcorp
Classification: Uncertain significance. Last evaluated: 2021-08-05. Review status: criteria provided, single submitter. Criteria: Invitae Variant Classification Sherloc (09022015). Collection method: clinical testing. Allele origin: germline.
Comment: In summary, the available evidence is currently insufficient to determine the role of this variant in disease. Therefore, it has been classified as a Variant of Uncertain Significance. Algorithms developed to predict the effect of missense changes on protein structure and function are either unavailable or do not agree on the potential impact of this missense change (SIFT: "Deleterious"; PolyPhen-2: "Probably Damaging"; Align-GVGD: "Class C0"). This variant has not been reported in the literature in individuals affected with GALNT12-related conditions. This variant is not present in population databases (ExAC no frequency). This sequence change replaces proline with threonine at codon 357 of the GALNT12 protein (p.Pro357Thr). The proline residue is highly conserved and there is a small physicochemical difference between proline and threonine.